The following is an entry in ClinVar:

ClinVar aggregate classification (germline): Pathogenic. Review status: criteria provided, single submitter (1 of 4 stars). 2 submissions from 2 submitters: Pathogenic (1). 1 of the submissions does not count toward it. Last evaluated 2023-12-01.

Conditions:
Anauxetic dysplasia. Identifiers: Orphanet 93347, MedGen C1846796, MONDO:0011773.
Metaphyseal chondrodysplasia, McKusick type (CHH). Also called: Cartilage-hair hypoplasia; Cartilage-Hair Hypoplasia (CHH). Identifiers: Orphanet 175, MedGen C0220748, MONDO:0009595, OMIM 250250.

Submissions (2):

Labcorp Genetics (formerly Invitae), Labcorp
Classification: Pathogenic for Anauxetic dysplasia. Last evaluated: 2023-12-01. Review status: criteria provided, single submitter. Criteria: Invitae Variant Classification Sherloc (09022015). Collection method: clinical testing. Allele origin: germline.
Comment: This variant occurs in the RMRP gene, which encodes an RNA molecule that does not result in a protein product. This variant is present in population databases (no rsID available, gnomAD 0.002%). While this particular variant has not been reported in the literature, it is located in the promoter region between the TATA box and the transcription initiation site, and other insertions and duplications immediately upstream of the coding sequence have been reported in individuals affected with cartilage-hair hypoplasia-anauxetic dysplasia (CHH-AD) spectrum disorders (PMID: 16244706, 11207361, 12107819). While functional studies for this variant have not been reported, experimental analyses using patient derived cells, as well as in vitro transfection studies, have shown that promoter insertions result in silencing of RMRP transcription and reduced expression of the gene product (PMID: 11207361, 16254002). For these reasons, this variant has been classified as Pathogenic.

Counsyl
Classification: Likely pathogenic for Metaphyseal chondrodysplasia, McKusick type. Last evaluated: 2018-01-24. Review status: no assertion criteria provided. Collection method: clinical testing. Allele origin: unknown. Not counted in ClinVar's aggregate classification.

Literature cited by the submitters: PubMed 16244706 (cited by Labcorp Genetics (formerly Invitae), Labcorp); PubMed 11207361 (cited by Labcorp Genetics (formerly Invitae), Labcorp); PubMed 12107819 (cited by Labcorp Genetics (formerly Invitae), Labcorp); PubMed 16254002 (cited by Labcorp Genetics (formerly Invitae), Labcorp).

NR_003051.3(RMRP):n.-1_1ins22

Gene: RMRP (RNA component of mitochondrial RNA processing endoribonuclease; minus strand). Cytogenetic location: 9p13.3.
Variant type: Insertion.
Genome position: GRCh38 VCF-style: chr9-35658018-C-CACGTCCTCAGCTTCACAGAGTT. GRCh37 (hg19) VCF-style: chr9-35658015-C-CACGTCCTCAGCTTCACAGAGTT.
Identifiers: ClinVar variation 556339 (VCV000556339.4), dbSNP rs1554651397, ClinGen allele CA587570189.